The following is an entry in ClinVar:

ClinVar aggregate classification (germline): Uncertain significance. Review status: criteria provided, multiple submitters, no conflicts (2 of 4 stars). 2 submissions from 2 submitters: Uncertain significance (2). Last evaluated 2026-05-14.

Conditions:
Cardiovascular phenotype. Identifiers: MedGen CN230736.

Submissions (2):

Ambry Genetics
Classification: Uncertain significance for Cardiovascular phenotype. Last evaluated: 2026-05-14. Review status: criteria provided, single submitter. Criteria: Ambry Variant Classification Scheme 2023. Collection method: clinical testing. Allele origin: germline.
Comment: The p.V497A variant (also known as c.1490T>C), located in coding exon 13 of the PTPN11 gene, results from a T to C substitution at nucleotide position 1490. The valine at codon 497 is replaced by alanine, an amino acid with similar properties. This amino acid position is conserved. In addition, this alteration is predicted to be deleterious by in silico analysis. Based on the available evidence, the clinical significance of this variant remains unclear.

GeneDx
Classification: Uncertain significance. Last evaluated: 2025-07-10. Review status: criteria provided, single submitter. Criteria: GeneDx Variant Classification Process June 2021. Collection method: clinical testing. Allele origin: germline. Affected: yes.
Comment: Not observed at significant frequency in large population cohorts (gnomAD); Missense variants in this gene are a common cause of disease and they are underrepresented in the general population; In silico analysis supports that this missense variant has a deleterious effect on protein structure/function; Has not been previously published as pathogenic or benign to our knowledge; This variant is associated with the following publications: (PMID: 29493581)

NM_002834.5(PTPN11):c.1490T>C (p.Val497Ala)

Gene: PTPN11 (protein tyrosine phosphatase non-receptor type 11; plus strand). Cytogenetic location: 12q24.13.
Variant type: single nucleotide variant.
Coding change: c.1490T>C on transcript NM_002834.5 (MANE Select); coding-DNA position 1490, T replaced by C.
Protein change: p.Val497Ala; replaces valine 497 with alanine.
Molecular consequence: missense variant.
Genome position (GRCh38, 1-based): chr12:112,489,066, T>C. VCF-style: chr12-112489066-T-C. GRCh37 (hg19) VCF-style: chr12-112926870-T-C.
Other names: c.1502T>C, p.Val501Ala (NM_001330437.2); c.1487T>C, p.Val496Ala (NM_001374625.1); short protein forms V496A, V497A, V501A.
Identifiers: ClinVar variation 4685188 (VCV004685188.2).
Genomic context (GRCh38, chr12:112,489,066, plus strand): 5'-ATGATGTTTCCTTCGTAGGTGTTGACTGCGATATTGACGTTCCCAAAACCATCCAGATGG[T>C]GCGGTCTCAGAGGTCAGGGATGGTCCAGACAGAAGCACAGTACCGATTTATCTATATGGC-3'
Protein context (NP_002825.3, residues 487-507): DIDVPKTIQM[Val497Ala]RSQRSGMVQT